The following is an entry in ClinVar:

ClinVar aggregate classification (germline): Uncertain significance (1 of 4 stars; one submission).

gnomAD v4.1: 1 of 1,211,435 alleles (0.000083%); highest among the groups gnomAD compares: African/African-American, 0.0017%; no homozygotes.

Submission:

GeneDx
Classification: Uncertain significance. Last evaluated: 2019-02-05. Review status: criteria provided, single submitter. Criteria: GeneDx Variant Classification Process June 2021. Collection method: clinical testing. Allele origin: germline. Affected: yes.
Comment: Not observed in large population cohorts (Lek et al., 2016); In silico analysis, which includes protein predictors and evolutionary conservation, supports a deleterious effect; Has not been previously published as pathogenic or benign to our knowledge

NM_033380.3(COL4A5):c.4679G>A (p.Gly1560Asp)

Gene: COL4A5 (collagen type IV alpha 5 chain; plus strand). Cytogenetic location: Xq22.3.
Variant type: single nucleotide variant.
Coding change: c.4679G>A on transcript NM_033380.3 (MANE Select); coding-DNA position 4679, G replaced by A.
Protein change: p.Gly1560Asp; replaces glycine 1560 with aspartic acid.
Molecular consequence: missense variant.
Genome position (GRCh38, 1-based): chrX:108,692,898, G>A. VCF-style: chrX-108692898-G-A. GRCh37 (hg19) VCF-style: chrX-107936128-G-A.
Other names: c.4661G>A, p.Gly1554Asp (NM_000495.5); short protein forms G1554D, G1560D.
Identifiers: ClinVar variation 1304975 (VCV001304975.2), dbSNP rs2147998721, ClinGen allele CA413855739.